The following is an entry in ClinVar:

ClinVar aggregate classification (germline): Uncertain significance. Review status: criteria provided, multiple submitters, no conflicts (2 of 4 stars). 2 submissions from 2 submitters: Uncertain significance (2). Last evaluated 2025-07-21.

Conditions:
Pancreatic adenocarcinoma. Identifiers: MedGen C0281361, MONDO:0006047, HP:0006725.

Allele frequency attached by ClinVar (database versions not stated): gnomAD 0.00001; gnomAD exomes 0.00001 and 0.00002; TOPMed 0.00001; ExAC 0.00002.
gnomAD v4.1: 25 of 1,612,672 alleles (0.0016%); highest among the groups gnomAD compares: Middle Eastern, 0.049%; no homozygotes.

Submissions (2):

Labcorp Genetics (formerly Invitae), Labcorp
Classification: Uncertain significance for Pancreatic adenocarcinoma. Last evaluated: 2025-07-21. Review status: criteria provided, single submitter. Criteria: Invitae Variant Classification Sherloc (09022015). Collection method: clinical testing. Allele origin: germline.
Comment: This sequence change replaces arginine, which is basic and polar, with glutamine, which is neutral and polar, at codon 389 of the PALLD protein (p.Arg389Gln). This variant is present in population databases (rs747702421, gnomAD 0.01%). This variant has not been reported in the literature in individuals affected with PALLD-related conditions. ClinVar contains an entry for this variant (Variation ID: 572905). An algorithm developed to predict the effect of missense changes on protein structure and function (PolyPhen-2) suggests that this variant is likely to be tolerated. In summary, the available evidence is currently insufficient to determine the role of this variant in disease. Therefore, it has been classified as a Variant of Uncertain Significance.

Ambry Genetics
Classification: Uncertain significance. Last evaluated: 2023-11-08. Review status: criteria provided, single submitter. Criteria: Ambry Variant Classification Scheme 2023. Collection method: clinical testing. Allele origin: germline.
Comment: The p.R876Q variant (also known as c.2627G>A), located in coding exon 14 of the PALLD gene, results from a G to A substitution at nucleotide position 2627. The arginine at codon 876 is replaced by glutamine, an amino acid with highly similar properties. This amino acid position is conserved. In addition, the in silico prediction for this alteration is inconclusive. Since supporting evidence is limited at this time, the clinical significance of this alteration remains unclear.

NM_001166108.2(PALLD):c.2678G>A (p.Arg893Gln)

Genes: CBR4 (carbonyl reductase 4; minus strand), PALLD (palladin, cytoskeletal associated protein; plus strand). Cytogenetic location: 4q32.3.
Variant type: single nucleotide variant.
Coding change: c.2678G>A on transcript NM_001166108.2 (MANE Select); coding-DNA position 2678, G replaced by A.
Protein change: p.Arg893Gln; replaces arginine 893 with glutamine.
Molecular consequence: missense variant.
Genome position (GRCh38, 1-based): chr4:168,913,982, G>A. VCF-style: chr4-168913982-G-A. GRCh37 (hg19) VCF-style: chr4-169835133-G-A.
Other names: c.1481G>A, p.Arg494Gln (NM_001166109.2); c.1166G>A, p.Arg389Gln (NM_001166110.2); c.506G>A, p.Arg169Gln (NM_001367567.1, NM_001367569.1); c.557G>A, p.Arg186Gln (NM_001367568.1, NM_001367570.1); c.2627G>A, p.Arg876Gln (NM_016081.4); short protein forms R389Q, R876Q, R186Q, R893Q, R494Q, R169Q.
Identifiers: ClinVar variation 572905 (VCV000572905.11), dbSNP rs747702421, ClinGen allele CA3135925.